The following is an entry in ClinVar:

ClinVar aggregate classification (germline): Pathogenic (1 of 4 stars; one submission).

Allele frequency attached by ClinVar (database versions not stated): TOPMed below 0.00001.
gnomAD v4.1: 2 of 1,612,386 alleles (0.00012%); highest among the groups gnomAD compares: Non-Finnish European, 0.00017%; no homozygotes.

Submission:

GeneDx
Classification: Pathogenic. Last evaluated: 2026-10-03. Review status: criteria provided, single submitter. Criteria: GeneDx Variant Classification Process June 2021. Collection method: clinical testing. Allele origin: germline.
Comment: Intronic variant directly or indirectly altering the +5 splice site in a gene for which loss of function is a known mechanism of disease, and splice predictors support a deleterious effect; Not observed at significant frequency in large population cohorts (gnomAD); Has not been previously published as pathogenic or benign to our knowledge

NM_000170.3(GLDC):c.1401+5G>A

Gene: GLDC (glycine decarboxylase; minus strand). Cytogenetic location: 9p24.1.
Variant type: single nucleotide variant.
Coding change: c.1401+5G>A on transcript NM_000170.3 (MANE Select); 5 bases into the intron after coding-DNA position 1401, G replaced by A.
Molecular consequence: intron variant.
Genome position (GRCh38, 1-based): chr9:6,592,846, C>T on the plus strand (G>A on the coding strand, the complement: GLDC is on the minus strand). VCF-style: chr9-6592846-C-T. GRCh37 (hg19) VCF-style: chr9-6592846-C-T.
Identifiers: ClinVar variation 2662877 (VCV002662877.2), dbSNP rs1426503452, ClinGen allele CA585769114.